The following is an entry in ClinVar:

ClinVar aggregate classification (germline): Uncertain significance. Review status: criteria provided, multiple submitters, no conflicts (2 of 4 stars). 2 submissions from 2 submitters: Uncertain significance (2). Last evaluated 2026-08-27.

Conditions:
VPS13B-related disorder. Also called: VPS13B-related condition.
Cohen syndrome (COH1). Also called: PEPPER SYNDROME; Cutis verticis gyrata, retinitis pigmentosa, and sensorineural deafness. Identifiers: Orphanet 193, MedGen C0265223, MONDO:0008999, OMIM 216550.

Submissions (2):

PreventionGenetics, part of Exact Sciences
Classification: Uncertain significance for VPS13B-related condition. Last evaluated: 2026-08-27. Review status: criteria provided, single submitter. Criteria: ACMG Guidelines, 2015. Collection method: clinical testing. Allele origin: germline.
Comment: The VPS13B c.821T>G variant is predicted to result in the amino acid substitution p.Phe274Cys. To our knowledge, this variant has not been reported in the literature or in a large population database (gnomAD), indicating this variant is rare. At this time, the clinical significance of this variant is uncertain due to the absence of conclusive functional and genetic evidence.

Labcorp Genetics (formerly Invitae), Labcorp
Classification: Uncertain significance for Cohen syndrome. Last evaluated: 2022-06-13. Review status: criteria provided, single submitter. Criteria: Invitae Variant Classification Sherloc (09022015). Collection method: clinical testing. Allele origin: germline.
Comment: In summary, the available evidence is currently insufficient to determine the role of this variant in disease. Therefore, it has been classified as a Variant of Uncertain Significance. Algorithms developed to predict the effect of missense changes on protein structure and function are either unavailable or do not agree on the potential impact of this missense change (SIFT: "Not Available"; PolyPhen-2: "Probably Damaging"; Align-GVGD: "Not Available"). ClinVar contains an entry for this variant (Variation ID: 842466). This variant has not been reported in the literature in individuals affected with VPS13B-related conditions. This variant is not present in population databases (gnomAD no frequency). This sequence change replaces phenylalanine, which is neutral and non-polar, with cysteine, which is neutral and slightly polar, at codon 274 of the VPS13B protein (p.Phe274Cys).

NM_152564.5(VPS13B):c.821T>G (p.Phe274Cys)

Gene: VPS13B (vacuolar protein sorting 13 homolog B; plus strand). Cytogenetic location: 8q22.2.
Variant type: single nucleotide variant.
Coding change: c.821T>G on transcript NM_152564.5 (MANE Select); coding-DNA position 821, T replaced by G.
Protein change: p.Phe274Cys; replaces phenylalanine 274 with cysteine.
Molecular consequence: missense variant. On other transcripts: non-coding transcript variant (1).
Genome position (GRCh38, 1-based): chr8:99,115,758, T>G. VCF-style: chr8-99115758-T-G. GRCh37 (hg19) VCF-style: chr8-100127986-T-G.
Other names: c.821T>G, p.Phe274Cys (NM_015243.3, NM_017890.5, NM_181661.3); c.821T>G (NM_152564.4); short protein forms F274C.
Identifiers: ClinVar variation 842466 (VCV000842466.10), dbSNP rs1847625470, ClinGen allele CA371860478.